The following is an entry in ClinVar:

NM_017849.4(TMEM127):c.47G>A (p.Arg16Lys)

Genes: TMEM127 (transmembrane protein 127; minus strand), LOC129934333 (ATAC-STARR-seq lymphoblastoid silent region 11759; plus strand). Cytogenetic location: 2q11.2.
Variant type: single nucleotide variant.
Coding change: c.47G>A on transcript NM_017849.4 (MANE Select); coding-DNA position 47, G replaced by A.
Protein change: p.Arg16Lys; replaces arginine 16 with lysine.
Molecular consequence: missense variant.
Genome position (GRCh38, 1-based): chr2:96,265,335, C>T on the plus strand (G>A on the coding strand, the complement: TMEM127 is on the minus strand). VCF-style: chr2-96265335-C-T. GRCh37 (hg19) VCF-style: chr2-96931073-C-T.
Other names: c.47G>A, p.Arg16Lys (NM_001193304.3); short protein forms R16K.
Identifiers: ClinVar variation 1743180 (VCV001743180.2), dbSNP rs1245811763, ClinGen allele CA347656235.
Genomic context (GRCh38, chr2:96,265,335, plus strand): 5'-GGCAGGGCCGAGGCCAGGCTACGCTCCGGCTGCTTGGGCAGAGCGCTGCCTCCCGGGCTC[C>T]TCCGCCGGCGCCCGCCGGGCAGCCCTGCGCCTCCGGGGGCGTACATGCCCGGGGCCGCCC-3'
Protein context (NP_060319.1, residues 6-26): GAGLPGGRRR[Arg16Lys]SPGGSALPKQ

ClinVar aggregate classification (germline): Uncertain significance (1 of 4 stars; one submission).

Conditions:
Hereditary cancer-predisposing syndrome. Also called: Hereditary Cancer Syndrome; Neoplastic Syndromes, Hereditary; Tumor predisposition; Hereditary neoplastic syndrome. Identifiers: Orphanet 140162, MedGen C0027672, MeSH D009386, MONDO:0015356.

Allele frequency attached by ClinVar (database versions not stated): TOPMed below 0.00001; gnomAD 0.00001.
gnomAD v4.1: 1 of 1,515,272 alleles (0.000066%); highest among the groups gnomAD compares: Non-Finnish European, 0.000088%; no homozygotes.

Submission:

Ambry Genetics
Classification: Uncertain significance for Hereditary cancer-predisposing syndrome. Last evaluated: 2022-02-23. Review status: criteria provided, single submitter. Criteria: Ambry Variant Classification Scheme 2023. Collection method: clinical testing. Allele origin: germline.
Comment: The p.R16K variant (also known as c.47G>A), located in coding exon 1 of the TMEM127 gene, results from a G to A substitution at nucleotide position 47. The arginine at codon 16 is replaced by lysine, an amino acid with highly similar properties. This amino acid position is conserved. In addition, the in silico prediction for this alteration is inconclusive. Since supporting evidence is limited at this time, the clinical significance of this alteration remains unclear.